The following is an entry in ClinVar:

ClinVar aggregate classification (germline): Uncertain significance (1 of 4 stars; one submission).

Conditions:
Inborn genetic diseases. Identifiers: MedGen C0950123, MeSH D030342.

gnomAD v4.1: 3 of 1,610,710 alleles (0.00019%); highest among the groups gnomAD compares: Non-Finnish European, 0.00025%; no homozygotes.

Submission:

Ambry Genetics
Classification: Uncertain significance for Inborn genetic diseases. Last evaluated: 2026-05-29. Review status: criteria provided, single submitter. Criteria: Ambry Variant Classification Scheme 2023. Collection method: clinical testing. Allele origin: germline.
Comment: The c.625A>C (p.I209L) alteration is located in exon 6 (coding exon 5) of the LARP7 gene. This alteration results from a A to C substitution at nucleotide position 625, causing the isoleucine (I) at amino acid position 209 to be replaced by a leucine (L). Based on data from gnomAD, the C allele has an overall frequency of <0.001% (1/245128) total alleles studied. The highest observed frequency was 0.001% (1/111998) of European (non-Finnish) alleles. Based on insufficient or conflicting evidence, the clinical significance of this alteration remains unclear.

NM_016648.4(LARP7):c.625A>C (p.Ile209Leu)

Genes: LARP7 (La ribonucleoprotein 7, transcriptional regulator; plus strand), MIR302CHG (miR-302/367 cluster host gene; minus strand). Cytogenetic location: 4q25.
Variant type: single nucleotide variant.
Coding change: c.625A>C on transcript NM_016648.4 (MANE Select); coding-DNA position 625, A replaced by C.
Protein change: p.Ile209Leu; replaces isoleucine 209 with leucine.
Molecular consequence: missense variant.
Genome position (GRCh38, 1-based): chr4:112,647,106, A>C. VCF-style: chr4-112647106-A-C. GRCh37 (hg19) VCF-style: chr4-113568262-A-C.
Other names: c.625A>C, p.Ile209Leu (NM_001267039.4, NM_001370974.1, NM_001370975.1 and 6 more transcripts); c.388A>C, p.Ile130Leu (NM_001370981.1, NM_001370982.1); short protein forms I130L, I209L.
Identifiers: ClinVar variation 4859135 (VCV004859135.1).